The following is an entry in ClinVar:

ClinVar aggregate classification (germline): Uncertain significance. Review status: criteria provided, multiple submitters, no conflicts (2 of 4 stars). 2 submissions from 2 submitters: Uncertain significance (2). Last evaluated 2025-12-19.

Conditions:
Inborn genetic diseases. Identifiers: MedGen C0950123, MeSH D030342.

Submissions (2):

Labcorp Genetics (formerly Invitae), Labcorp
Classification: Uncertain significance. Last evaluated: 2025-12-19. Review status: criteria provided, single submitter. Criteria: Invitae Variant Classification Sherloc (09022015). Collection method: clinical testing. Allele origin: germline.
Comment: This sequence change replaces cysteine, which is neutral and slightly polar, with serine, which is neutral and polar, at codon 254 of the MBD4 protein (p.Cys254Ser). This variant is not present in population databases (gnomAD no frequency). This variant has not been reported in the literature in individuals affected with MBD4-related conditions. ClinVar contains an entry for this variant (Variation ID: 4052212). An algorithm developed to predict the effect of missense changes on protein structure and function (PolyPhen-2) suggests that this variant is likely to be tolerated. In summary, the available evidence is currently insufficient to determine the role of this variant in disease. Therefore, it has been classified as a Variant of Uncertain Significance.

Ambry Genetics
Classification: Uncertain significance for Inborn genetic diseases. Last evaluated: 2025-04-19. Review status: criteria provided, single submitter. Criteria: Ambry Variant Classification Scheme 2023. Collection method: clinical testing. Allele origin: germline.
Comment: The p.C254S variant (also known as c.761G>C), located in coding exon 3 of the MBD4 gene, results from a G to C substitution at nucleotide position 761. The cysteine at codon 254 is replaced by serine, an amino acid with dissimilar properties. This amino acid position is conserved. In addition, this alteration is predicted to be tolerated by in silico analysis. Based on the available evidence, the clinical significance of this variant remains unclear.

NM_001276270.2(MBD4):c.761G>C (p.Cys254Ser)

Gene: MBD4 (methyl-CpG binding domain 4, DNA glycosylase; minus strand). Cytogenetic location: 3q21.3.
Variant type: single nucleotide variant.
Coding change: c.761G>C on transcript NM_001276270.2 (MANE Select); coding-DNA position 761, G replaced by C.
Protein change: p.Cys254Ser; replaces cysteine 254 with serine.
Molecular consequence: missense variant. On other transcripts: intron variant (1).
Genome position (GRCh38, 1-based): chr3:129,436,883, C>G on the plus strand (G>C on the coding strand, the complement: MBD4 is on the minus strand). VCF-style: chr3-129436883-C-G. GRCh37 (hg19) VCF-style: chr3-129155726-C-G.
Other names: c.761G>C, p.Cys254Ser (NM_001276271.2, NM_001276272.2, NM_003925.3); c.247+925G>C (NM_001276273.2); short protein forms C254S.
Identifiers: ClinVar variation 4052212 (VCV004052212.2).